The following is an entry in ClinVar:

NM_024675.4(PALB2):c.531G>A (p.Lys177=)

Gene: PALB2 (partner and localizer of BRCA2; minus strand). Cytogenetic location: 16p12.2.
Variant type: single nucleotide variant.
Coding change: c.531G>A on transcript NM_024675.4 (MANE Select); coding-DNA position 531, G replaced by A.
Protein change: p.Lys177=; no amino-acid change (lysine 177 retained).
Molecular consequence: synonymous variant.
Genome position (GRCh38, 1-based): chr16:23,636,015, C>T on the plus strand (G>A on the coding strand, the complement: PALB2 is on the minus strand). VCF-style: chr16-23636015-C-T. GRCh37 (hg19) VCF-style: chr16-23647336-C-T.
Identifiers: ClinVar variation 484227 (VCV000484227.18), dbSNP rs779739454, ClinGen allele CA7963783.

ClinVar aggregate classification (germline): Benign/Likely benign. Review status: criteria provided, multiple submitters, no conflicts (2 of 4 stars). 4 submissions from 4 submitters: Benign (1); Likely benign (3). Last evaluated 2026-01-06.

Conditions:
Hereditary cancer-predisposing syndrome. Also called: Neoplastic Syndromes, Hereditary; Tumor predisposition; Hereditary Cancer Syndrome; Hereditary neoplastic syndrome. Identifiers: Orphanet 140162, MedGen C0027672, MeSH D009386, MONDO:0015356.
Familial cancer of breast. Also called: BREAST CANCER, FAMILIAL; Hereditary breast cancer; hereditary breast carcinoma. Identifiers: Orphanet 227535, MedGen C0346153, MONDO:0016419, OMIM 114480. Disease mechanism: loss of function.

Allele frequency attached by ClinVar (database versions not stated): gnomAD exomes below 0.00001; ExAC 0.00001; gnomAD 0.00001.
gnomAD v4.1: 3 of 1,613,966 alleles (0.00019%); highest among the groups gnomAD compares: African/African-American, 0.0013%; no homozygotes.

Submissions (4):

Labcorp Genetics (formerly Invitae), Labcorp
Classification: Likely benign for Familial cancer of breast. Last evaluated: 2026-01-06. Review status: criteria provided, single submitter. Criteria: Invitae Variant Classification Sherloc (09022015). Collection method: clinical testing. Allele origin: germline.

Myriad Genetics, Inc.
Classification: Benign for Familial cancer of breast. Last evaluated: 2025-01-10. Review status: criteria provided, single submitter. Criteria: Myriad Autosomal Dominant, Autosomal Recessive and X-Linked Classification Criteria (2023). Collection method: clinical testing. Allele origin: unknown.
Comment: This variant is considered benign. This variant is a silent/synonymous amino acid change and it is not expected to impact splicing.

Color Diagnostics, LLC DBA Color Health
Classification: Likely benign for Hereditary cancer-predisposing syndrome. Last evaluated: 2022-04-05. Review status: criteria provided, single submitter. Criteria: ACMG Guidelines, 2015. Collection method: clinical testing. Allele origin: germline.

Ambry Genetics
Classification: Likely benign for Hereditary cancer-predisposing syndrome. Last evaluated: 2017-04-06. Review status: criteria provided, single submitter. Criteria: Ambry Variant Classification Scheme 2023. Collection method: clinical testing. Allele origin: germline.